The following is an entry in ClinVar:

NM_017612.5(ZCCHC8):c.1697C>T (p.Pro566Leu)

Gene: ZCCHC8 (zinc finger CCHC-type containing 8; minus strand). Cytogenetic location: 12q24.31.
Variant type: single nucleotide variant.
Coding change: c.1697C>T on transcript NM_017612.5 (MANE Select); coding-DNA position 1697, C replaced by T.
Protein change: p.Pro566Leu; replaces proline 566 with leucine.
Molecular consequence: missense variant.
Genome position (GRCh38, 1-based): chr12:122,473,924, G>A on the plus strand (C>T on the coding strand, the complement: ZCCHC8 is on the minus strand). VCF-style: chr12-122473924-G-A. GRCh37 (hg19) VCF-style: chr12-122958471-G-A.
Other names: c.1697C>T (NM_017612.3); c.1466C>T, p.Pro489Leu (NM_001350935.2); c.1400C>T, p.Pro467Leu (NM_001350936.2); c.983C>T, p.Pro328Leu (NM_001350937.2, NM_001350938.2); short protein forms P328L, P489L, P467L, P566L.
Identifiers: ClinVar variation 1347539 (VCV001347539.8), dbSNP rs765381320, ClinGen allele CA6846107.
Genomic context (GRCh38, chr12:122,473,924, plus strand): 5'-ATCTCTGGTACCTCAGGCTCATCCAGCGTCTGCTTTTCAGATGTTTTTCCCTCCGGGACA[G>A]GGAGGTCTAGCTCATTTGGACAAGGTGATGAGGCAACGGAATTGCCAGTTAAAGGTGTGT-3'
Protein context (NP_060082.2, residues 556-576): SSPCPNELDL[Pro566Leu]VPEGKTSEKQ

ClinVar aggregate classification (germline): Uncertain significance. Review status: criteria provided, multiple submitters, no conflicts (2 of 4 stars). 2 submissions from 2 submitters: Uncertain significance (2). Last evaluated 2026-02-02.

Allele frequency attached by ClinVar (database versions not stated): gnomAD exomes 0.00002 and 0.00003; TOPMed 0.00002; gnomAD 0.00003; ExAC 0.00004.
gnomAD v4.1: 46 of 1,613,510 alleles (0.0029%); highest among the groups gnomAD compares: Middle Eastern, 0.016%; no homozygotes.

Submissions (2):

Labcorp Genetics (formerly Invitae), Labcorp
Classification: Uncertain significance. Last evaluated: 2026-02-02. Review status: criteria provided, single submitter. Criteria: Invitae Variant Classification Sherloc (09022015). Collection method: clinical testing. Allele origin: germline.
Comment: This sequence change replaces proline, which is neutral and non-polar, with leucine, which is neutral and non-polar, at codon 566 of the ZCCHC8 protein (p.Pro566Leu). This variant is present in population databases (rs765381320, gnomAD 0.004%). This variant has not been reported in the literature in individuals affected with ZCCHC8-related conditions. ClinVar contains an entry for this variant (Variation ID: 1347539). Invitae Evidence Modeling of protein sequence and biophysical properties (such as structural, functional, and spatial information, amino acid conservation, physicochemical variation, residue mobility, and thermodynamic stability) indicates that this missense variant is not expected to disrupt ZCCHC8 protein function with a negative predictive value of 80%. In summary, the available evidence is currently insufficient to determine the role of this variant in disease. Therefore, it has been classified as a Variant of Uncertain Significance.

Ambry Genetics
Classification: Uncertain significance. Last evaluated: 2025-04-30. Review status: criteria provided, single submitter. Criteria: Ambry Variant Classification Scheme 2023. Collection method: clinical testing. Allele origin: germline.